The following is an entry in ClinVar:

NM_001035.3(RYR2):c.5550_5551del (p.Val1850_Phe1851insTer)

Gene: RYR2 (ryanodine receptor 2; plus strand). Cytogenetic location: 1q43.
Variant type: Microsatellite.
Coding change: c.5550_5551del on transcript NM_001035.3 (MANE Select); coding-DNA positions 5550 to 5551, 2 bases deleted (GT; older notation c.5550_5551delGT).
Protein change: p.Val1850_Phe1851insTer.
Molecular consequence: frameshift variant.
Genome position (GRCh38, 1-based): chr1:237,614,678-237,614,679, GT deleted; deleting any 2 consecutive bases within chr1:237,614,674-237,614,679 gives the same sequence; the c. name uses the placement nearest the transcript's 3' end. VCF-style (leftmost placement, unchanged base first): chr1-237614673-AGT-A. GRCh37 (hg19) VCF-style: chr1-237777973-AGT-A.
Identifiers: ClinVar variation 4757576 (VCV004757576.1).

ClinVar aggregate classification (germline): Uncertain significance (1 of 4 stars; one submission).

Conditions:
Cardiomyopathy (CMYO). Also called: Cardiomyopathies. Identifiers: Orphanet 167848, MedGen C0878544, MONDO:0004994, HP:0001638. Inheritance: Various modes of inheritance.

Submission:

Color Diagnostics, LLC DBA Color Health
Classification: Uncertain significance for Cardiomyopathy. Last evaluated: 2025-07-02. Review status: criteria provided, single submitter. Criteria: ACMG Guidelines, 2015. Collection method: clinical testing. Allele origin: germline.
Comment: This variant deletes 2 nucleotides in exon 37 of the RYR2 gene, creating a frameshift and premature translation stop signal. This variant is expected to result in an absent or non-functional protein product. To our knowledge, this variant has not been reported in individuals affected with RYR2-related disorders in the literature. This variant has not been identified in the general population by the Genome Aggregation Database (gnomAD). Clinical relevance of loss-of-function RYR2 truncation variants in autosomal dominant cardiovascular disorders is not clearly established. The available evidence is insufficient to determine the role of this variant in disease conclusively. Therefore, this variant is classified as a Variant of Uncertain Significance.